The following is an entry in ClinVar:

ClinVar aggregate classification (germline): Uncertain significance (1 of 4 stars; one submission).

Allele frequency attached by ClinVar (database versions not stated): TOPMed 0.00001.

Submission:

Labcorp Genetics (formerly Invitae), Labcorp
Classification: Uncertain significance. Last evaluated: 2022-02-10. Review status: criteria provided, single submitter. Criteria: Invitae Variant Classification Sherloc (09022015). Collection method: clinical testing. Allele origin: germline.
Comment: In summary, the available evidence is currently insufficient to determine the role of this variant in disease. Therefore, it has been classified as a Variant of Uncertain Significance. This sequence change creates a premature translational stop signal (p.Glu47*) in the CLUAP1 gene. It is expected to result in an absent or disrupted protein product. However, the current clinical and genetic evidence is not sufficient to establish whether loss-of-function variants in CLUAP1 cause disease. This variant is not present in population databases (gnomAD no frequency). This variant has not been reported in the literature in individuals affected with CLUAP1-related conditions.

NM_015041.3(CLUAP1):c.139G>T (p.Glu47Ter)

Gene: CLUAP1 (clusterin associated protein 1; plus strand). Cytogenetic location: 16p13.3.
Variant type: single nucleotide variant.
Coding change: c.139G>T on transcript NM_015041.3 (MANE Select); coding-DNA position 139, G replaced by T.
Protein change: p.Glu47Ter; replaces glutamic acid 47 with a stop codon.
Molecular consequence: nonsense.
Genome position (GRCh38, 1-based): chr16:3,506,335, G>T. VCF-style: chr16-3506335-G-T. GRCh37 (hg19) VCF-style: chr16-3556335-G-T.
Other names: c.139G>T, p.Glu47Ter (NM_001330454.2); short protein forms E47*.
Identifiers: ClinVar variation 1492817 (VCV001492817.6), dbSNP rs2037505648, ClinGen allele CA394510876.
Genomic context (GRCh38, chr16:3,506,335, plus strand): 5'-TTAGTAGACTTTCTCCTTGGTTAACCCGTGCTCTCTCCTCTTACCTCTCTTGATAGATAT[G>T]AGCCCCAGACTGACATCCCGCCTGACGTGGATACTGAACAGGACCGAGTTTTCTTCATTA-3'